The following is an entry in ClinVar:

NM_001261826.3(AP3D1):c.2679G>A (p.Thr893=)

Gene: AP3D1 (adaptor related protein complex 3 subunit delta 1; minus strand). Cytogenetic location: 19p13.3.
Variant type: single nucleotide variant.
Coding change: c.2679G>A on transcript NM_001261826.3 (MANE Select); coding-DNA position 2679, G replaced by A.
Protein change: p.Thr893=; no amino-acid change (threonine 893 retained).
Molecular consequence: synonymous variant. On other transcripts: intron variant (1).
Genome position (GRCh38, 1-based): chr19:2,113,336, C>T on the plus strand (G>A on the coding strand, the complement: AP3D1 is on the minus strand). VCF-style: chr19-2113336-C-T. GRCh37 (hg19) VCF-style: chr19-2113335-C-T.
Other names: c.2679G>A, p.Thr893= (NM_001374799.1); c.2601+789G>A (NM_003938.8).
Identifiers: ClinVar variation 4754630 (VCV004754630.1).
Genomic context (GRCh38, chr19:2,113,336, plus strand): 5'-GTGCCAGGTATGACCTCTGCAGACACCGAGGCTGGCACTGGCCAGCTGCCAGTCTCTTAC[C>T]GTGGATGGAACGGGGGCGGGGGCGGGGGCGGGGGCAGGCGGTGGGGTGGTAGACAGCCAG-3'
Protein context (NP_001248755.1, residues 883-903): PAPAPAPVPS[Thr893=]GELSVNTVTT

ClinVar aggregate classification (germline): Uncertain significance (1 of 4 stars; one submission).

gnomAD v4.1: 6 of 804,066 alleles (0.00075%); highest among the groups gnomAD compares: East Asian, 0.0082%; no homozygotes.

Submission:

Labcorp Genetics (formerly Invitae), Labcorp
Classification: Uncertain significance. Last evaluated: 2025-03-31. Review status: criteria provided, single submitter. Criteria: Invitae Variant Classification Sherloc (09022015). Collection method: clinical testing. Allele origin: germline.
Comment: This sequence change affects codon 893 of the AP3D1 mRNA. It is a 'silent' change, meaning that it does not change the encoded amino acid sequence of the AP3D1 protein. This variant also falls at the last nucleotide of exon 23, which is part of the consensus splice site for this exon. This variant is not present in population databases (gnomAD no frequency). This variant has not been reported in the literature in individuals affected with AP3D1-related conditions. Variants that disrupt the consensus splice site are a relatively common cause of aberrant splicing (PMID: 17576681, 9536098). Algorithms developed to predict the effect of sequence changes on RNA splicing suggest that this variant may disrupt the consensus splice site. In summary, the available evidence is currently insufficient to determine the role of this variant in disease. Therefore, it has been classified as a Variant of Uncertain Significance.

Literature cited by the submitters: PubMed 17576681; PubMed 9536098.